The following is an entry in ClinVar:

NM_006231.4(POLE):c.5482C>T (p.Pro1828Ser)

Gene: POLE (DNA polymerase epsilon, catalytic subunit; minus strand). Cytogenetic location: 12q24.33.
Variant type: single nucleotide variant.
Coding change: c.5482C>T on transcript NM_006231.4 (MANE Select); coding-DNA position 5482, C replaced by T.
Protein change: p.Pro1828Ser; replaces proline 1828 with serine.
Molecular consequence: missense variant.
Genome position (GRCh38, 1-based): chr12:132,639,195, G>A on the plus strand (C>T on the coding strand, the complement: POLE is on the minus strand). VCF-style: chr12-132639195-G-A. GRCh37 (hg19) VCF-style: chr12-133215781-G-A.
Other names: short protein forms P1828S.
Identifiers: ClinVar variation 1747812 (VCV001747812.2), dbSNP rs2138509467, ClinGen allele CA387374677.
Genomic context (GRCh38, chr12:132,639,195, plus strand): 5'-GCTTCTTCATCATGTTGTGGAGTGTGCGGTGCAGGGCAGGGTCATGAAGCAGAGAGGATG[G>A]CGACCGAAGCCAGCGGTAGAAGTGCATCACCTGGTTGTCTGCATAGATGTTGTGGTACTG-3'
Protein context (NP_006222.2, residues 1818-1838): VMHFYRWLRS[Pro1828Ser]SSLLHDPALH

ClinVar aggregate classification (germline): Uncertain significance (1 of 4 stars; one submission).

Conditions:
Hereditary cancer-predisposing syndrome. Also called: Hereditary Cancer Syndrome; Hereditary neoplastic syndrome; Neoplastic Syndromes, Hereditary; Tumor predisposition. Identifiers: Orphanet 140162, MedGen C0027672, MeSH D009386, MONDO:0015356.

Submission:

Ambry Genetics
Classification: Uncertain significance for Hereditary cancer-predisposing syndrome. Last evaluated: 2022-07-27. Review status: criteria provided, single submitter. Criteria: Ambry Variant Classification Scheme 2023. Collection method: clinical testing. Allele origin: germline.
Comment: The p.P1828S variant (also known as c.5482C>T), located in coding exon 40 of the POLE gene, results from a C to T substitution at nucleotide position 5482. The proline at codon 1828 is replaced by serine, an amino acid with similar properties. This amino acid position is conserved. In addition, this alteration is predicted to be tolerated by in silico analysis. Since supporting evidence is limited at this time, the clinical significance of this alteration remains unclear.